The following is an entry in ClinVar:

ClinVar aggregate classification (germline): Pathogenic (1 of 4 stars; one submission).

Conditions:
Hereditary breast ovarian cancer syndrome. Also called: Hereditary breast and ovarian cancer; Hereditary breast and ovarian cancer syndrome (HBOC); Breast and ovarian cancer; Hereditary breast and/or ovarian cancer syndrome; BRCA1- and BRCA2-Associated Hereditary Breast and Ovarian Cancer; Hereditary breast and ovarian cancer syndrome. Identifiers: Orphanet 145, MedGen C0677776, MeSH D061325, MONDO:0003582. Disease mechanism: loss of function.

Submissions (2):

Labcorp Genetics (formerly Invitae), Labcorp
Classification: Pathogenic for Hereditary breast ovarian cancer syndrome. Last evaluated: 2023-07-25. Review status: criteria provided, single submitter. Criteria: Invitae Variant Classification Sherloc (09022015). Collection method: clinical testing. Allele origin: germline.
Comment: For these reasons, this variant has been classified as Pathogenic. This variant disrupts the p.Cys44 amino acid residue in BRCA1. Other variant(s) that disrupt this residue have been determined to be pathogenic (PMID: 16403807, 20103620, 21725363, 21922593, 21990134, 23161852, 27272900). This suggests that this residue is clinically significant, and that variants that disrupt this residue are likely to be disease-causing. Advanced modeling performed at Invitae incorporating data from internal and/or published experimental studies (PMID: 30209399) indicates that this missense variant is expected to disrupt BRCA1 function. ClinVar contains an entry for this variant (Variation ID: 868170). This missense change has been observed in individual(s) with breast and ovarian cancer (PMID: 18182601, 18500671, 19543972, 20104584, 35858847). This variant is not present in population databases (gnomAD no frequency). This sequence change replaces cysteine, which is neutral and slightly polar, with serine, which is neutral and polar, at codon 44 of the BRCA1 protein (p.Cys44Ser).

Brotman Baty Institute, University of Washington
No classification provided (evidence only). Condition: Breast-ovarian cancer, familial 1. Review status: no classification provided. Collection method: in vitro. Allele origin: not applicable. Functional consequence: functionally_abnormal. Not counted in ClinVar's aggregate classification.
ClinVar note: "not provided" was previously submitted as the classification for the variant. However, the classification appeared to be based only on an observation of functional data so it was converted to no classification on 2025-07-30.

Literature cited by the submitters: PubMed 16403807 (cited by Labcorp Genetics (formerly Invitae), Labcorp); PubMed 20103620 (cited by Labcorp Genetics (formerly Invitae), Labcorp); PubMed 21725363 (cited by Labcorp Genetics (formerly Invitae), Labcorp); PubMed 21922593 (cited by Labcorp Genetics (formerly Invitae), Labcorp); PubMed 21990134 (cited by Labcorp Genetics (formerly Invitae), Labcorp); PubMed 23161852 (cited by Labcorp Genetics (formerly Invitae), Labcorp); PubMed 27272900 (cited by Labcorp Genetics (formerly Invitae), Labcorp); PubMed 30209399 (cited by Labcorp Genetics (formerly Invitae), Labcorp); PubMed 18182601 (cited by Labcorp Genetics (formerly Invitae), Labcorp); PubMed 18500671 (cited by Labcorp Genetics (formerly Invitae), Labcorp); PubMed 19543972 (cited by Labcorp Genetics (formerly Invitae), Labcorp); PubMed 20104584 (cited by Labcorp Genetics (formerly Invitae), Labcorp); PubMed 35858847 (cited by Labcorp Genetics (formerly Invitae), Labcorp).

NM_007294.4(BRCA1):c.131G>C (p.Cys44Ser)

Gene: BRCA1 (BRCA1 DNA repair associated; minus strand). Cytogenetic location: 17q21.31.
Variant type: single nucleotide variant.
Coding change: c.131G>C on transcript NM_007294.4 (MANE Select); coding-DNA position 131, G replaced by C.
Protein change: p.Cys44Ser; replaces cysteine 44 with serine.
Molecular consequence: missense variant. On other transcripts: non-coding transcript variant (1), intron variant (1).
Genome position (GRCh38, 1-based): chr17:43,115,729, C>G on the plus strand (G>C on the coding strand, the complement: BRCA1 is on the minus strand). VCF-style: chr17-43115729-C-G. GRCh37 (hg19) VCF-style: chr17-41267746-C-G.
Other names: c.-58G>C (NM_001407571.1, NM_001407853.1, NM_001407879.1 and 52 more transcripts); c.131G>C, p.Cys44Ser (NM_001407581.1, NM_001407582.1, NM_001407583.1 and 192 more transcripts); c.-127G>C (NM_001407694.1, NM_001407696.1, NM_001407724.1 and 13 more transcripts); c.-131G>C (NM_001407695.1, NM_001408465.1); c.-11G>C (NM_001407697.1, NM_001407725.1, NM_001407728.1 and 47 more transcripts); c.-174G>C (NM_001407889.1, NM_001407900.1, NM_001408492.1); c.-173G>C (NM_001407960.1, NM_001407962.1, NM_001408510.1 and 1 more transcripts); c.-289G>C (NM_001407965.1); and 1 more; short protein forms C44S.
Identifiers: ClinVar variation 868170 (VCV000868170.6), dbSNP rs80357446, ClinGen allele CA10601897.